The following is an entry in ClinVar:

ClinVar aggregate classification (germline): Uncertain significance (1 of 4 stars; one submission).

Conditions:
ALG3-congenital disorder of glycosylation. Also called: CONGENITAL DISORDER OF GLYCOSYLATION, TYPE Id; CDG Id; ALG3-CDG; CARBOHYDRATE-DEFICIENT GLYCOPROTEIN SYNDROME, TYPE IV; CDGS, TYPE IV. Identifiers: Orphanet 79321, MedGen C1832736, MONDO:0010998, OMIM 601110.

Allele frequency attached by ClinVar (database versions not stated): TOPMed below 0.00001; gnomAD 0.00001.

Submission:

Labcorp Genetics (formerly Invitae), Labcorp
Classification: Uncertain significance for ALG3-congenital disorder of glycosylation. Last evaluated: 2022-07-01. Review status: criteria provided, single submitter. Criteria: Invitae Variant Classification Sherloc (09022015). Collection method: clinical testing. Allele origin: germline.
Comment: In summary, the available evidence is currently insufficient to determine the role of this variant in disease. Therefore, it has been classified as a Variant of Uncertain Significance. Algorithms developed to predict the effect of missense changes on protein structure and function are either unavailable or do not agree on the potential impact of this missense change (SIFT: "Tolerated"; PolyPhen-2: "Possibly Damaging"; Align-GVGD: "Class C0"). This variant has not been reported in the literature in individuals affected with ALG3-related conditions. This variant is not present in population databases (gnomAD no frequency). This sequence change replaces glycine, which is neutral and non-polar, with arginine, which is basic and polar, at codon 12 of the ALG3 protein (p.Gly12Arg).

NM_005787.6(ALG3):c.34G>C (p.Gly12Arg)

Gene: ALG3 (ALG3 alpha-1,3- mannosyltransferase; minus strand). Cytogenetic location: 3q27.1.
Variant type: single nucleotide variant.
Coding change: c.34G>C on transcript NM_005787.6 (MANE Select); coding-DNA position 34, G replaced by C.
Protein change: p.Gly12Arg; replaces glycine 12 with arginine.
Molecular consequence: missense variant. On other transcripts: non-coding transcript variant (2), intron variant (1).
Genome position (GRCh38, 1-based): chr3:184,248,907, C>G on the plus strand (G>C on the coding strand, the complement: ALG3 is on the minus strand). VCF-style: chr3-184248907-C-G. GRCh37 (hg19) VCF-style: chr3-183966695-C-G.
Other names: c.-35G>C (NM_001006942.1); c.52+319G>C (NM_001006941.2); short protein forms G12R.
Identifiers: ClinVar variation 1971332 (VCV001971332.5), dbSNP rs951598169, ClinGen allele CA88884317.